The following is an entry in ClinVar:

ClinVar aggregate classification (germline): Uncertain significance (1 of 4 stars; one submission).

Conditions:
Early-infantile DEE. Also called: Early infantile epileptic encephalopathy; Ohtahara syndrome; Early infantile epileptic encephalopathy with suppression bursts. Identifiers: Orphanet 1934, MedGen C0393706, MONDO:0800491.

Submission:

Labcorp Genetics (formerly Invitae), Labcorp
Classification: Uncertain significance for Early-infantile DEE. Last evaluated: 2021-01-11. Review status: criteria provided, single submitter. Criteria: Invitae Variant Classification Sherloc (09022015). Collection method: clinical testing. Allele origin: germline.
Comment: In summary, the available evidence is currently insufficient to determine the role of this variant in disease. Therefore, it has been classified as a Variant of Uncertain Significance. Algorithms developed to predict the effect of missense changes on protein structure and function (SIFT, PolyPhen-2, Align-GVGD) all suggest that this variant is likely to be disruptive, but these predictions have not been confirmed by published functional studies and their clinical significance is uncertain. This variant has not been reported in the literature in individuals with SLC25A22-related conditions. This variant is not present in population databases (ExAC no frequency). This sequence change replaces proline with leucine at codon 28 of the SLC25A22 protein (p.Pro28Leu). The proline residue is highly conserved and there is a moderate physicochemical difference between proline and leucine.

NM_001191061.2(SLC25A22):c.83C>T (p.Pro28Leu)

Gene: SLC25A22 (solute carrier family 25 member 22; minus strand). Cytogenetic location: 11p15.5.
Variant type: single nucleotide variant.
Coding change: c.83C>T on transcript NM_001191061.2 (MANE Select); coding-DNA position 83, C replaced by T.
Protein change: p.Pro28Leu; replaces proline 28 with leucine.
Molecular consequence: missense variant.
Genome position (GRCh38, 1-based): chr11:794,839, G>A on the plus strand (C>T on the coding strand, the complement: SLC25A22 is on the minus strand). VCF-style: chr11-794839-G-A. GRCh37 (hg19) VCF-style: chr11-794839-G-A.
Other names: c.83C>T, p.Pro28Leu (NM_001191060.2, NM_024698.6); short protein forms P28L.
Identifiers: ClinVar variation 1501743 (VCV001501743.9), dbSNP rs1306343660, ClinGen allele CA378922154.